The following is an entry in ClinVar:

ClinVar aggregate classification (germline): Uncertain significance (1 of 4 stars; one submission).

gnomAD v4.1: 1 of 1,614,116 alleles (0.000062%); highest among the groups gnomAD compares: Admixed American, 0.0017%; no homozygotes.

Submission:

GeneDx
Classification: Uncertain significance. Last evaluated: 2023-06-15. Review status: criteria provided, single submitter. Criteria: GeneDx Variant Classification Process June 2021. Collection method: clinical testing. Allele origin: germline. Affected: yes.
Comment: Not observed at significant frequency in large population cohorts (gnomAD); In silico analysis supports that this missense variant has a deleterious effect on protein structure/function; Has not been previously published as pathogenic or benign to our knowledge

NM_000350.3(ABCA4):c.1645G>T (p.Ala549Ser)

Gene: ABCA4 (ATP binding cassette subfamily A member 4; minus strand). Cytogenetic location: 1p22.1.
Variant type: single nucleotide variant.
Coding change: c.1645G>T on transcript NM_000350.3 (MANE Select); coding-DNA position 1645, G replaced by T.
Protein change: p.Ala549Ser; replaces alanine 549 with serine.
Molecular consequence: missense variant.
Genome position (GRCh38, 1-based): chr1:94,063,227, C>A on the plus strand (G>T on the coding strand, the complement: ABCA4 is on the minus strand). VCF-style: chr1-94063227-C-A. GRCh37 (hg19) VCF-style: chr1-94528783-C-A.
Other names: c.1645G>T, p.Ala549Ser (NM_001425324.1); short protein forms A549S.
Identifiers: ClinVar variation 3359855 (VCV003359855.1).